The following is an entry in ClinVar:

ClinVar aggregate classification (germline): Uncertain significance (1 of 4 stars; one submission).

Conditions:
Hypertrophic cardiomyopathy. Also called: HYPERTROPHIC MYOCARDIOPATHY. Identifiers: Orphanet 217569, MedGen C0007194, MeSH D002312, MONDO:0005045, HP:0001639.

Submission:

Labcorp Genetics (formerly Invitae), Labcorp
Classification: Uncertain significance for Hypertrophic cardiomyopathy. Last evaluated: 2024-05-01. Review status: criteria provided, single submitter. Criteria: Invitae Variant Classification Sherloc (09022015). Collection method: clinical testing. Allele origin: germline.
Comment: This sequence change replaces glycine, which is neutral and non-polar, with arginine, which is basic and polar, at codon 592 of the MYH7 protein (p.Gly592Arg). This variant is not present in population databases (gnomAD no frequency). This variant has not been reported in the literature in individuals affected with MYH7-related conditions. Advanced modeling of protein sequence and biophysical properties (such as structural, functional, and spatial information, amino acid conservation, physicochemical variation, residue mobility, and thermodynamic stability) performed at Invitae indicates that this missense variant is expected to disrupt MYH7 protein function with a positive predictive value of 95%. In summary, the available evidence is currently insufficient to determine the role of this variant in disease. Therefore, it has been classified as a Variant of Uncertain Significance.

NM_000257.4(MYH7):c.1774G>C (p.Gly592Arg)

Gene: MYH7 (myosin heavy chain 7; minus strand). Cytogenetic location: 14q11.2.
Variant type: single nucleotide variant.
Coding change: c.1774G>C on transcript NM_000257.4 (MANE Select); coding-DNA position 1774, G replaced by C.
Protein change: p.Gly592Arg; replaces glycine 592 with arginine.
Molecular consequence: missense variant.
Genome position (GRCh38, 1-based): chr14:23,427,699, C>G on the plus strand (G>C on the coding strand, the complement: MYH7 is on the minus strand). VCF-style: chr14-23427699-C-G. GRCh37 (hg19) VCF-style: chr14-23896908-C-G.
Other names: c.1774G>C, p.Gly592Arg (NM_001407004.1); short protein forms G592R.
Identifiers: ClinVar variation 2767570 (VCV002767570.3), dbSNP rs2502296786, ClinGen allele CA389049847.